The following is an entry in ClinVar:

NM_001317778.2(SFTPC):c.409C>G (p.Leu137Val)

Gene: SFTPC (surfactant protein C; plus strand). Cytogenetic location: 8p21.3.
Variant type: single nucleotide variant.
Coding change: c.409C>G on transcript NM_001317778.2 (MANE Select); coding-DNA position 409, C replaced by G.
Protein change: p.Leu137Val; replaces leucine 137 with valine.
Molecular consequence: missense variant.
Genome position (GRCh38, 1-based): chr8:22,163,520, C>G. VCF-style: chr8-22163520-C-G. GRCh37 (hg19) VCF-style: chr8-22021033-C-G.
Other names: c.409C>G, p.Leu137Val (NM_001172357.2, NM_001172410.2, NM_001317780.2 and 8 more transcripts); c.250C>G, p.Leu84Val (NM_001317779.2, NM_001385660.1); short protein forms L137V, L84V.
Identifiers: ClinVar variation 3361728 (VCV003361728.1).

ClinVar aggregate classification (germline): Uncertain significance (1 of 4 stars; one submission).

Submission:

GeneDx
Classification: Uncertain significance. Last evaluated: 2023-07-27. Review status: criteria provided, single submitter. Criteria: GeneDx Variant Classification Process June 2021. Collection method: clinical testing. Allele origin: germline. Affected: yes.
Comment: Not observed at significant frequency in large population cohorts (gnomAD); In silico analysis supports that this missense variant does not alter protein structure/function; Has not been previously published as pathogenic or benign to our knowledge